The following is an entry in ClinVar:

NM_145059.3(FCSK):c.1593G>T (p.Glu531Asp)

Gene: FCSK (fucose kinase; plus strand). Cytogenetic location: 16q22.1.
Variant type: single nucleotide variant.
Coding change: c.1593G>T on transcript NM_145059.3 (MANE Select); coding-DNA position 1593, G replaced by T.
Protein change: p.Glu531Asp; replaces glutamic acid 531 with aspartic acid.
Molecular consequence: missense variant.
Genome position (GRCh38, 1-based): chr16:70,473,169, G>T. VCF-style: chr16-70473169-G-T. GRCh37 (hg19) VCF-style: chr16-70507072-G-T.
Other names: short protein forms E531D.
Identifiers: ClinVar variation 3652132 (VCV003652132.2).
Genomic context (GRCh38, chr16:70,473,169, plus strand): 5'-CCAGGAGGATGGGGGCGAGGCCCTGCGAGCCTGGCGGGCCTCCTGGCGCCTGTCCTGGGA[G>T]CAGCTGCAGCCGTGCCTGGATCGGGCTGCCACGCTGGCCTCTCGCCGGGACCTGTTCTTC-3'
Protein context (NP_659496.2, residues 521-541): AWRASWRLSW[Glu531Asp]QLQPCLDRAA

ClinVar aggregate classification (germline): Uncertain significance (1 of 4 stars; one submission).

Submission:

Labcorp Genetics (formerly Invitae), Labcorp
Classification: Uncertain significance. Last evaluated: 2024-05-04. Review status: criteria provided, single submitter. Criteria: Invitae Variant Classification Sherloc (09022015). Collection method: clinical testing. Allele origin: germline.
Comment: This sequence change replaces glutamic acid, which is acidic and polar, with aspartic acid, which is acidic and polar, at codon 531 of the FUK protein (p.Glu531Asp). This variant is not present in population databases (gnomAD no frequency). This variant has not been reported in the literature in individuals affected with FUK-related conditions. An algorithm developed to predict the effect of missense changes on protein structure and function (PolyPhen-2) suggests that this variant is likely to be tolerated. In summary, the available evidence is currently insufficient to determine the role of this variant in disease. Therefore, it has been classified as a Variant of Uncertain Significance.